The following is an entry in ClinVar:

ClinVar aggregate classification (germline): Uncertain significance (1 of 4 stars; one submission).

gnomAD v4.1: 60 of 1,614,060 alleles (0.0037%); highest among the groups gnomAD compares: Middle Eastern, 0.033%; no homozygotes.

Submission:

Labcorp Genetics (formerly Invitae), Labcorp
Classification: Uncertain significance. Last evaluated: 2025-02-10. Review status: criteria provided, single submitter. Criteria: Invitae Variant Classification Sherloc (09022015). Collection method: clinical testing. Allele origin: germline.
Comment: This sequence change replaces glutamic acid, which is acidic and polar, with aspartic acid, which is acidic and polar, at codon 730 of the BNC2 protein (p.Glu730Asp). This variant is present in population databases (rs749135029, gnomAD 0.01%). This variant has not been reported in the literature in individuals affected with BNC2-related conditions. An algorithm developed to predict the effect of missense changes on protein structure and function (PolyPhen-2) suggests that this variant is likely to be tolerated. In summary, the available evidence is currently insufficient to determine the role of this variant in disease. Therefore, it has been classified as a Variant of Uncertain Significance.

NM_017637.6(BNC2):c.2190G>C (p.Glu730Asp)

Genes: BNC2 (basonuclin zinc finger protein 2; minus strand), LOC126860585 (MED14-independent group 3 enhancer GRCh37_chr9:16435259-16436458; plus strand). Cytogenetic location: 9p22.3.
Variant type: single nucleotide variant.
Coding change: c.2190G>C on transcript NM_017637.6 (MANE Select); coding-DNA position 2190, G replaced by C.
Protein change: p.Glu730Asp; replaces glutamic acid 730 with aspartic acid.
Molecular consequence: missense variant.
Genome position (GRCh38, 1-based): chr9:16,436,004, C>G on the plus strand (G>C on the coding strand, the complement: BNC2 is on the minus strand). VCF-style: chr9-16436004-C-G. GRCh37 (hg19) VCF-style: chr9-16436002-C-G.
Other names: c.2064G>C, p.Glu688Asp (NM_001317939.2); c.1905G>C, p.Glu635Asp (NM_001317940.2); short protein forms E635D, E688D, E730D.
Identifiers: ClinVar variation 4705292 (VCV004705292.1).